The following is an entry in ClinVar:

ClinVar aggregate classification (germline): Likely benign. Review status: criteria provided, multiple submitters, no conflicts (2 of 4 stars). 3 submissions from 3 submitters: Likely benign (3). Last evaluated 2026-07-14.

Conditions:
CHRNG-related disorder. Also called: CHRNG-related condition; CHRNG-related disorders.

Allele frequency attached by ClinVar (database versions not stated): gnomAD exomes 0.00003; ExAC 0.00013; gnomAD 0.00019; TOPMed 0.00021; 1000 Genomes Project 0.00040; 1000 Genomes Project 30x 0.00047.
gnomAD v4.1: 75 of 1,610,734 alleles (0.0047%); highest among the groups gnomAD compares: East Asian, 0.083%; no homozygotes.

Submissions (3):

PreventionGenetics, part of Exact Sciences
Classification: Likely benign for CHRNG-related condition. Last evaluated: 2026-07-14. Review status: criteria provided, single submitter. Criteria: ACMG Guidelines, 2015. Collection method: clinical testing. Allele origin: germline.
Comment: This variant is classified as likely benign based on ACMG/AMP sequence variant interpretation guidelines (Richards et al. 2015 PMID: 25741868, with internal and published modifications).

Labcorp Genetics (formerly Invitae), Labcorp
Classification: Likely benign. Last evaluated: 2025-12-23. Review status: criteria provided, single submitter. Criteria: Invitae Variant Classification Sherloc (09022015). Collection method: clinical testing. Allele origin: germline.

Blueprint Genetics
Classification: Likely benign. Last evaluated: 2024-03-25. Review status: criteria provided, single submitter. Criteria: ACMG Guidelines, 2015. Collection method: clinical testing. Allele origin: germline.

NM_005199.5(CHRNG):c.241-6C>A

Gene: CHRNG (cholinergic receptor nicotinic gamma subunit; plus strand). Cytogenetic location: 2q37.1.
Variant type: single nucleotide variant.
Coding change: c.241-6C>A on transcript NM_005199.5 (MANE Select); 6 bases into the intron before coding-DNA position 241, C replaced by A.
Molecular consequence: intron variant.
Genome position (GRCh38, 1-based): chr2:232,540,596, C>A. VCF-style: chr2-232540596-C-A. GRCh37 (hg19) VCF-style: chr2-233405306-C-A.
Other names: c.241-6C>A (NM_005199.4).
Identifiers: ClinVar variation 2908290 (VCV002908290.5), dbSNP rs200319008, ClinGen allele CA2168581.
Genomic context (GRCh38, chr2:232,540,596, plus strand): 5'-ATGCCCACTCCTAGGGCTGTGGTGCAGCAGAGGGCAGAGGCCTAGCAACTGCCCCTCCCC[C>A]TGCAGCAGTGGTGCGACTATCGCCTGCGCTGGGATCCGCGAGACTACGAAGGCCTGTGGG-3'